The following is an entry in ClinVar:

ClinVar aggregate classification (germline): Uncertain significance (1 of 4 stars; one submission).

Allele frequency attached by ClinVar (database versions not stated): gnomAD exomes below 0.00001.
gnomAD v4.1: 2 of 1,613,914 alleles (0.00012%); highest among the groups gnomAD compares: Non-Finnish European, 0.000085%; no homozygotes.

Submission:

GeneDx
Classification: Uncertain significance. Last evaluated: 2018-05-14. Review status: criteria provided, single submitter. Criteria: GeneDx Variant Classification (06012015). Collection method: clinical testing. Allele origin: germline. Affected: yes.
Comment: The T413A variant has not been published as a pathogenic variant, nor has it been reported as a benign variant to our knowledge. The T413A variant is not observed in large population cohorts (Lek et al., 2016). The T413A variant is a non-conservative amino acid substitution, which is likely to impact secondary protein structure as these residues differ in polarity, charge, size and/or other properties. However, in-silico analyses, including protein predictors and evolutionary conservation, support that this variant does not alter protein structure/function. Therefore, based on the currently available information, it is unclear whether this variant is a pathogenic variant or a rare benign variant.

NM_005045.4(RELN):c.1237A>G (p.Thr413Ala)

Gene: RELN (reelin; minus strand). Cytogenetic location: 7q22.1.
Variant type: single nucleotide variant.
Coding change: c.1237A>G on transcript NM_005045.4 (MANE Select); coding-DNA position 1237, A replaced by G.
Protein change: p.Thr413Ala; replaces threonine 413 with alanine.
Molecular consequence: missense variant.
Genome position (GRCh38, 1-based): chr7:103,682,168, T>C on the plus strand (A>G on the coding strand, the complement: RELN is on the minus strand). VCF-style: chr7-103682168-T-C. GRCh37 (hg19) VCF-style: chr7-103322615-T-C.
Other names: c.1237A>G, p.Thr413Ala (NM_173054.3); short protein forms T413A.
Identifiers: ClinVar variation 546349 (VCV000546349.2), dbSNP rs1554402130, ClinGen allele CA368926289.